The following is an entry in ClinVar:

ClinVar aggregate classification (germline): Uncertain significance. Review status: criteria provided, single submitter (1 of 4 stars). 2 submissions from 2 submitters: Uncertain significance (1). 1 of the submissions does not count toward it. Last evaluated 2022-10-17.

Conditions:
Nemaline myopathy 2 (NEM2). Also called: Nemaline myopathy 2, autosomal recessive. Identifiers: MedGen C1850569, MONDO:0009725, OMIM 256030.

Allele frequency attached by ClinVar (database versions not stated): TOPMed below 0.00001; gnomAD exomes 0.00001; ExAC 0.00002.
gnomAD v4.1: 14 of 1,613,622 alleles (0.00087%); highest among the groups gnomAD compares: Non-Finnish European, 0.0012%; no homozygotes.

Submissions (2):

Labcorp Genetics (formerly Invitae), Labcorp
Classification: Uncertain significance for Nemaline myopathy 2. Last evaluated: 2022-10-17. Review status: criteria provided, single submitter. Criteria: Invitae Variant Classification Sherloc (09022015). Collection method: clinical testing. Allele origin: germline.
Comment: This sequence change replaces threonine, which is neutral and polar, with isoleucine, which is neutral and non-polar, at codon 1971 of the NEB protein (p.Thr1971Ile). This variant is present in population databases (rs762592136, gnomAD 0.002%). This variant has not been reported in the literature in individuals affected with NEB-related conditions. ClinVar contains an entry for this variant (Variation ID: 465619). Algorithms developed to predict the effect of missense changes on protein structure and function are either unavailable or do not agree on the potential impact of this missense change (SIFT: "Deleterious"; PolyPhen-2: "Not Available"; Align-GVGD: "Class C0"). In summary, the available evidence is currently insufficient to determine the role of this variant in disease. Therefore, it has been classified as a Variant of Uncertain Significance.

Natera, Inc.
Classification: Uncertain significance for Nemaline myopathy type 2. Last evaluated: 2019-11-11. Review status: no assertion criteria provided. Collection method: clinical testing. Allele origin: germline. Not counted in ClinVar's aggregate classification.

NM_001164508.2(NEB):c.5912C>T (p.Thr1971Ile)

Gene: NEB (nebulin; minus strand). Cytogenetic location: 2q23.3.
Variant type: single nucleotide variant.
Coding change: c.5912C>T on transcript NM_001164508.2 (MANE Select); coding-DNA position 5912, C replaced by T.
Protein change: p.Thr1971Ile; replaces threonine 1971 with isoleucine.
Molecular consequence: missense variant.
Genome position (GRCh38, 1-based): chr2:151,662,193, G>A on the plus strand (C>T on the coding strand, the complement: NEB is on the minus strand). VCF-style: chr2-151662193-G-A. GRCh37 (hg19) VCF-style: chr2-152518707-G-A.
Other names: c.5912C>T, p.Thr1971Ile (NM_001164507.2, NM_001271208.2, NM_004543.5); short protein forms T1971I.
Identifiers: ClinVar variation 465619 (VCV000465619.6), dbSNP rs762592136, ClinGen allele CA1910247.